The following is an entry in ClinVar:

NM_001378120.1(MBD5):c.4787A>G (p.Asp1596Gly)

Gene: MBD5 (methyl-CpG binding domain protein 5; plus strand). Cytogenetic location: 2q23.1.
Variant type: single nucleotide variant.
Coding change: c.4787A>G on transcript NM_001378120.1 (MANE Select); coding-DNA position 4787, A replaced by G.
Protein change: p.Asp1596Gly; replaces aspartic acid 1596 with glycine.
Molecular consequence: missense variant.
Genome position (GRCh38, 1-based): chr2:148,490,419, A>G. VCF-style: chr2-148490419-A-G. GRCh37 (hg19) VCF-style: chr2-149247988-A-G.
Other names: c.4787A>G, p.Asp1596Gly (NM_001438854.1, NM_001438856.1, NM_001438857.1 and 1 more transcripts); c.4088A>G, p.Asp1363Gly (NM_001438855.1, NM_001438859.1, NM_001438860.1 and 3 more transcripts); short protein forms D1363G, D1596G.
Identifiers: ClinVar variation 4716243 (VCV004716243.1).

ClinVar aggregate classification (germline): Uncertain significance (1 of 4 stars; one submission).

Conditions:
Intellectual developmental disorder, autosomal dominant 1. Also called: MBD5 Haploinsufficiency; Intellectual disability, autosomal dominant 1. Identifiers: Orphanet 228402, MedGen C1969562, MONDO:0007974, OMIM 156200.

Submission:

Labcorp Genetics (formerly Invitae), Labcorp
Classification: Uncertain significance for Intellectual developmental disorder, autosomal dominant 1. Last evaluated: 2025-03-29. Review status: criteria provided, single submitter. Criteria: Invitae Variant Classification Sherloc (09022015). Collection method: clinical testing. Allele origin: germline.
Comment: This sequence change replaces aspartic acid, which is acidic and polar, with glycine, which is neutral and non-polar, at codon 1363 of the MBD5 protein (p.Asp1363Gly). This variant is not present in population databases (gnomAD no frequency). This variant has not been reported in the literature in individuals affected with MBD5-related conditions. Experimental studies and prediction algorithms are not available or were not evaluated, and the functional significance of this variant is currently unknown. In summary, the available evidence is currently insufficient to determine the role of this variant in disease. Therefore, it has been classified as a Variant of Uncertain Significance.